The following is an entry in ClinVar:

ClinVar aggregate classification (germline): Uncertain significance. Review status: criteria provided, multiple submitters, no conflicts (2 of 4 stars). 2 submissions from 2 submitters: Uncertain significance (2). Last evaluated 2024-05-06.

Conditions:
Joubert syndrome. Also called: Familial aplasia of the vermis; CEREBELLOPARENCHYMAL DISORDER IV; JOUBERT-BOLTSHAUSER SYNDROME. Identifiers: Orphanet 475, MedGen C5979921, MONDO:0018772.

Allele frequency attached by ClinVar (database versions not stated): gnomAD exomes below 0.00001; gnomAD 0.00001.
gnomAD v4.1: 4 of 1,607,726 alleles (0.00025%); highest among the groups gnomAD compares: Middle Eastern, 0.017%; 1 homozygote.

Submissions (2):

Labcorp Genetics (formerly Invitae), Labcorp
Classification: Uncertain significance for Joubert syndrome. Last evaluated: 2024-05-06. Review status: criteria provided, single submitter. Criteria: Invitae Variant Classification Sherloc (09022015). Collection method: clinical testing. Allele origin: germline.
Comment: This sequence change replaces aspartic acid, which is acidic and polar, with asparagine, which is neutral and polar, at codon 779 of the AHI1 protein (p.Asp779Asn). This variant is not present in population databases (gnomAD no frequency). This missense change has been observed in individual(s) with retinitis pigmentosa (PMID: 33921607). ClinVar contains an entry for this variant (Variation ID: 640041). Advanced modeling of protein sequence and biophysical properties (such as structural, functional, and spatial information, amino acid conservation, physicochemical variation, residue mobility, and thermodynamic stability) performed at Invitae indicates that this missense variant is not expected to disrupt AHI1 protein function with a negative predictive value of 95%. In summary, the available evidence is currently insufficient to determine the role of this variant in disease. Therefore, it has been classified as a Variant of Uncertain Significance.

Breakthrough Genomics
Classification: Uncertain significance. Review status: criteria provided, single submitter. Criteria: ACMG Guidelines, 2015. Collection method: not provided. Allele origin: germline. Inheritance: Autosomal recessive inheritance. Affected: yes.

Literature cited by the submitters: PubMed 33921607 (cited by Labcorp Genetics (formerly Invitae), Labcorp).

NM_001134831.2(AHI1):c.2335G>A (p.Asp779Asn)

Gene: AHI1 (Abelson helper integration site 1; minus strand). Cytogenetic location: 6q23.3.
Variant type: single nucleotide variant.
Coding change: c.2335G>A on transcript NM_001134831.2 (MANE Select); coding-DNA position 2335, G replaced by A.
Protein change: p.Asp779Asn; replaces aspartic acid 779 with asparagine.
Molecular consequence: missense variant.
Genome position (GRCh38, 1-based): chr6:135,431,246, C>T on the plus strand (G>A on the coding strand, the complement: AHI1 is on the minus strand). VCF-style: chr6-135431246-C-T. GRCh37 (hg19) VCF-style: chr6-135752384-C-T.
Other names: c.2335G>A, p.Asp779Asn (NM_001134830.2, NM_001134832.2, NM_001350503.2 and 2 more transcripts); short protein forms D779N.
Identifiers: ClinVar variation 640041 (VCV000640041.10), dbSNP rs1583199685, ClinGen allele CA365743187.